The following is an entry in ClinVar:

ClinVar aggregate classification (germline): Uncertain significance (1 of 4 stars; one submission).

Conditions:
Gorlin syndrome. Also called: Nevoid Basal Cell Carcinoma Syndrome; Basal cell nevus syndrome. Identifiers: Orphanet 377, MedGen C0004779, MONDO:0007187.

Submission:

Labcorp Genetics (formerly Invitae), Labcorp
Classification: Uncertain significance for Gorlin syndrome. Last evaluated: 2022-06-24. Review status: criteria provided, single submitter. Criteria: Invitae Variant Classification Sherloc (09022015). Collection method: clinical testing. Allele origin: germline.
Comment: In summary, the available evidence is currently insufficient to determine the role of this variant in disease. Therefore, it has been classified as a Variant of Uncertain Significance. Algorithms developed to predict the effect of missense changes on protein structure and function are either unavailable or do not agree on the potential impact of this missense change (SIFT: "Not Available"; PolyPhen-2: "Benign"; Align-GVGD: "Not Available"). This variant has not been reported in the literature in individuals affected with PTCH1-related conditions. Information on the frequency of this variant in the gnomAD database is not available, as this variant may be reported differently in the database. This sequence change replaces aspartic acid, which is acidic and polar, with alanine, which is neutral and non-polar, at codon 436 of the PTCH1 protein (p.Asp436Ala).

NM_000264.5(PTCH1):c.1307_1308delinsCA (p.Asp436Ala)

Gene: PTCH1 (patched 1; minus strand). Cytogenetic location: 9q22.32.
Variant type: Indel.
Coding change: c.1307_1308delinsCA on transcript NM_000264.5 (MANE Select); coding-DNA positions 1307 to 1308, AC replaced by CA.
Protein change: p.Asp436Ala; replaces aspartic acid 436 with alanine.
Molecular consequence: missense variant. On other transcripts: non-coding transcript variant (1).
Genome position (GRCh38, 1-based): chr9:95,478,094-95,478,095, GT replaced by TG on the plus strand (AC replaced by CA on the coding strand, the reverse complement: PTCH1 is on the minus strand). VCF-style: chr9-95478094-GT-TG. GRCh37 (hg19) VCF-style: chr9-98240376-GT-TG.
Other names: c.1109_1110delinsCA, p.Asp370Ala (NM_001083602.3); c.1304_1305delinsCA, p.Asp435Ala (NM_001083603.3); c.854_855delinsCA, p.Asp285Ala (NM_001083604.3, NM_001083605.3, NM_001083606.3 and 1 more transcripts); c.1307_1308delinsCA, p.Asp436Ala (NM_001354918.2); short protein forms D370A, D436A, D435A, D285A.
Identifiers: ClinVar variation 2010426 (VCV002010426.4), dbSNP rs2538210135, ClinGen allele CA2580080842.